The following is an entry in ClinVar:

ClinVar aggregate classification (germline): Pathogenic (1 of 4 stars; one submission).

Submission:

GeneDx
Classification: Pathogenic. Last evaluated: 2026-01-29. Review status: criteria provided, single submitter. Criteria: GeneDx Variant Classification Process June 2021. Collection method: clinical testing. Allele origin: germline.
Comment: Nonsense variant predicted to result in protein truncation or nonsense mediated decay in a gene for which loss of function is a known mechanism of disease; Not observed at significant frequency in large population cohorts (gnomAD); Has not been previously published as pathogenic or benign in association with KMT2C-related disorder to our knowledge; This variant is associated with the following publications: (PMID: 38817298)

NM_170606.3(KMT2C):c.5668C>T (p.Arg1890Ter)

Gene: KMT2C (lysine methyltransferase 2C; minus strand). Cytogenetic location: 7q36.1.
Variant type: single nucleotide variant.
Coding change: c.5668C>T on transcript NM_170606.3 (MANE Select); coding-DNA position 5668, C replaced by T.
Protein change: p.Arg1890Ter; replaces arginine 1890 with a stop codon.
Molecular consequence: nonsense.
Genome position (GRCh38, 1-based): chr7:152,182,192, G>A on the plus strand (C>T on the coding strand, the complement: KMT2C is on the minus strand). VCF-style: chr7-152182192-G-A. GRCh37 (hg19) VCF-style: chr7-151879277-G-A.
Other names: p.(Arg1890Ter); c.5668C>T (NM_170606.2); short protein forms R1890*.
Identifiers: ClinVar variation 4857086 (VCV004857086.1).